The following is an entry in ClinVar:

NM_004415.4(DSP):c.8210T>C (p.Val2737Ala)

Gene: DSP (desmoplakin; plus strand). Cytogenetic location: 6p24.3.
Variant type: single nucleotide variant.
Coding change: c.8210T>C on transcript NM_004415.4 (MANE Select); coding-DNA position 8210, T replaced by C.
Protein change: p.Val2737Ala; replaces valine 2737 with alanine.
Molecular consequence: missense variant.
Genome position (GRCh38, 1-based): chr6:7,585,472, T>C. VCF-style: chr6-7585472-T-C. GRCh37 (hg19) VCF-style: chr6-7585705-T-C.
Other names: p.V2737A:GTT>GCT; c.8210T>C (LRG_423t1); c.6413T>C, p.Val2138Ala (NM_001008844.3); c.6881T>C, p.Val2294Ala (NM_001319034.2); short protein forms V2737A, V2138A, V2294A.
Identifiers: ClinVar variation 199941 (VCV000199941.14), dbSNP rs794728155, ClinGen allele CA007431.

ClinVar aggregate classification (germline): Uncertain significance. Review status: criteria provided, multiple submitters, no conflicts (2 of 4 stars). 3 submissions from 3 submitters: Uncertain significance (3). Last evaluated 2025-03-31.

Conditions:
Cardiovascular phenotype. Identifiers: MedGen CN230736.
Arrhythmogenic cardiomyopathy with wooly hair and keratoderma. Also called: Carvajal syndrome; Dilated cardiomyopathy with woolly hair and keratoderma; Arrhythmogenic cardiomyopathy with woolly hair and keratoderma; PALMOPLANTAR KERATODERMA WITH LEFT VENTRICULAR CARDIOMYOPATHY AND WOOLLY HAIR. Identifiers: Orphanet 65282, MedGen C1854063, MONDO:0011581, OMIM 605676.
Arrhythmogenic right ventricular dysplasia 8 (ARVD8). Also called: Arrhythmogenic Right Ventricular Dysplasia/Cardiomyopathy 8; ARRHYTHMOGENIC RIGHT VENTRICULAR CARDIOMYOPATHY 8; ARRHYTHMOGENIC RIGHT VENTRICULAR DYSPLASIA, FAMILIAL, 8. Identifiers: MedGen C1843896, MONDO:0011831, OMIM 607450.

Allele frequency attached by ClinVar (database versions not stated): gnomAD exomes below 0.00001; TOPMed below 0.00001; gnomAD 0.00001.
gnomAD v4.1: 3 of 1,614,048 alleles (0.00019%); highest among the groups gnomAD compares: African/African-American, 0.004%; no homozygotes.

Submissions (3):

Ambry Genetics
Classification: Uncertain significance for Cardiovascular phenotype. Last evaluated: 2025-03-31. Review status: criteria provided, single submitter. Criteria: Ambry Variant Classification Scheme 2023. Collection method: clinical testing. Allele origin: germline.

Labcorp Genetics (formerly Invitae), Labcorp
Classification: Uncertain significance for Arrhythmogenic cardiomyopathy with wooly hair and keratoderma; Arrhythmogenic right ventricular dysplasia 8. Last evaluated: 2024-01-31. Review status: criteria provided, single submitter. Criteria: Invitae Variant Classification Sherloc (09022015). Collection method: clinical testing. Allele origin: germline.
Comment: This sequence change replaces valine, which is neutral and non-polar, with alanine, which is neutral and non-polar, at codon 2737 of the DSP protein (p.Val2737Ala). This variant is not present in population databases (gnomAD no frequency). This variant has not been reported in the literature in individuals affected with DSP-related conditions. ClinVar contains an entry for this variant (Variation ID: 199941). An algorithm developed to predict the effect of missense changes on protein structure and function (PolyPhen-2) suggests that this variant is likely to be disruptive. In summary, the available evidence is currently insufficient to determine the role of this variant in disease. Therefore, it has been classified as a Variant of Uncertain Significance.

GeneDx
Classification: Uncertain significance. Last evaluated: 2011-12-22. Review status: criteria provided, single submitter. Criteria: GeneDx Variant Classification (06012015). Collection method: clinical testing. Allele origin: germline. Affected: yes.
Comment: The Val2737Ala variant in the DSP gene has not been reported previously as a disease-causing mutation, nor as a benign polymorphism, to our knowledge. Although Val2737Ala results in a conservative substitution of one non-polar amino acid for another, the Val2737 residue is conserved across species. The NHLBI ESP Exome Variant Server reports Val2737Ala in 1/3,737 alleles from individuals of African American ancestry. However, no data from ethnically-matched controls are available to assess for a population-specific benign variant. In addition, few disease-causing missense mutations have been reported in this region of the DSP gene, indicating this region of the protein may tolerate change (Van der Zwaag PA et al., 2009). In summary, with the clinical and molecular information available at this time, we cannot determine whether the Val2737Ala variant is a disease-causing mutation or a rare benign variant. The variant is found in ARVC panel(s).